The following is an entry in ClinVar:

ClinVar aggregate classification (germline): Uncertain significance. Review status: criteria provided, multiple submitters, no conflicts (2 of 4 stars). 2 submissions from 2 submitters: Uncertain significance (2). Last evaluated 2025-12-21.

Conditions:
Hereditary cancer-predisposing syndrome. Also called: Tumor predisposition; Hereditary neoplastic syndrome; Hereditary Cancer Syndrome; Neoplastic Syndromes, Hereditary. Identifiers: Orphanet 140162, MedGen C0027672, MeSH D009386, MONDO:0015356.

Submissions (2):

Labcorp Genetics (formerly Invitae), Labcorp
Classification: Uncertain significance. Last evaluated: 2025-12-21. Review status: criteria provided, single submitter. Criteria: Invitae Variant Classification Sherloc (09022015). Collection method: clinical testing. Allele origin: germline.
Comment: This sequence change replaces serine, which is neutral and polar, with glycine, which is neutral and non-polar, at codon 1325 of the POLE protein (p.Ser1325Gly). This variant is not present in population databases (gnomAD no frequency). This variant has not been reported in the literature in individuals affected with POLE-related conditions. ClinVar contains an entry for this variant (Variation ID: 961573). Invitae Evidence Modeling of protein sequence and biophysical properties (such as structural, functional, and spatial information, amino acid conservation, physicochemical variation, residue mobility, and thermodynamic stability) indicates that this missense variant is not expected to disrupt POLE protein function with a negative predictive value of 80%. In summary, the available evidence is currently insufficient to determine the role of this variant in disease. Therefore, it has been classified as a Variant of Uncertain Significance.

Ambry Genetics
Classification: Uncertain significance for Hereditary cancer-predisposing syndrome. Last evaluated: 2024-07-07. Review status: criteria provided, single submitter. Criteria: Ambry Variant Classification Scheme 2023. Collection method: clinical testing. Allele origin: germline.
Comment: The p.S1325G variant (also known as c.3973A>G), located in coding exon 31 of the POLE gene, results from an A to G substitution at nucleotide position 3973. The serine at codon 1325 is replaced by glycine, an amino acid with similar properties. This amino acid position is conserved. In addition, the in silico prediction for this alteration is inconclusive. Based on the available evidence, the clinical significance of this variant remains unclear.

NM_006231.4(POLE):c.3973A>G (p.Ser1325Gly)

Gene: POLE (DNA polymerase epsilon, catalytic subunit; minus strand). Cytogenetic location: 12q24.33.
Variant type: single nucleotide variant.
Coding change: c.3973A>G on transcript NM_006231.4 (MANE Select); coding-DNA position 3973, A replaced by G.
Protein change: p.Ser1325Gly; replaces serine 1325 with glycine.
Molecular consequence: missense variant.
Genome position (GRCh38, 1-based): chr12:132,649,338, T>C on the plus strand (A>G on the coding strand, the complement: POLE is on the minus strand). VCF-style: chr12-132649338-T-C. GRCh37 (hg19) VCF-style: chr12-133225924-T-C.
Other names: c.3973A>G (NM_006231.2); short protein forms S1325G.
Identifiers: ClinVar variation 961573 (VCV000961573.10), dbSNP rs2042362912, ClinGen allele CA387384777.